The following is an entry in ClinVar:

NM_000516.7(GNAS):c.329T>C (p.Met110Thr)

Gene: GNAS (GNAS complex locus; plus strand). Cytogenetic location: 20q13.32.
Variant type: single nucleotide variant.
Coding change: c.329T>C on transcript NM_000516.7 (MANE Select); coding-DNA position 329, T replaced by C.
Protein change: p.Met110Thr; replaces methionine 110 with threonine.
Molecular consequence: missense variant. On other transcripts: 3 prime UTR variant (2).
Genome position (GRCh38, 1-based): chr20:58,903,688, T>C. VCF-style: chr20-58903688-T-C. GRCh37 (hg19) VCF-style: chr20-57478743-T-C.
Other names: c.332T>C, p.Met111Thr (NM_001077488.5); c.284T>C, p.Met95Thr (NM_001077489.4); c.*190T>C (NM_001077490.3); c.152T>C, p.Met51Thr (NM_001309840.2, NM_001309861.2); c.*235T>C (NM_016592.5); c.2258T>C, p.Met753Thr (NM_080425.4); c.287T>C, p.Met96Thr (NM_080426.4); c.329T>C (NM_000516.4); short protein forms M110T, M111T, M51T, M753T, M95T, M96T.
Identifiers: ClinVar variation 1048774 (VCV001048774.2), dbSNP rs2146182600, ClinGen allele CA409450383.

ClinVar aggregate classification (germline): Uncertain significance. Review status: criteria provided, multiple submitters, no conflicts (2 of 4 stars). 2 submissions from 2 submitters: Uncertain significance (2). Last evaluated 2024-09-16.

Submissions (2):

GeneDx
Classification: Uncertain significance. Last evaluated: 2024-09-16. Review status: criteria provided, single submitter. Criteria: GeneDx Variant Classification Process June 2021. Collection method: clinical testing. Allele origin: germline. Affected: yes.
Comment: Observed in patient with maternally inherited pseudhohypoparathryoidism in published literature (PMID: 29379892); Not observed at significant frequency in large population cohorts (gnomAD); In silico analysis supports that this missense variant has a deleterious effect on protein structure/function; This variant is associated with the following publications: (PMID: 23533243, 29379892)

Johns Hopkins Genomics, Johns Hopkins University
Classification: Uncertain significance. Last evaluated: 2021-03-15. Review status: criteria provided, single submitter. Criteria: ACMG Guidelines, 2015. Collection method: clinical testing. Allele origin: germline.

Literature cited by the submitters: PubMed 23533243 (cited by Johns Hopkins Genomics, Johns Hopkins University); PubMed 29379892 (cited by Johns Hopkins Genomics, Johns Hopkins University).